The following is an entry in ClinVar:

NM_000530.8(MPZ):c.235-2A>G

Gene: MPZ (myelin protein zero; minus strand). Cytogenetic location: 1q23.3.
Variant type: single nucleotide variant.
Coding change: c.235-2A>G on transcript NM_000530.8 (MANE Select); the canonical splice acceptor site of the intron before coding-DNA position 235, A replaced by G.
Molecular consequence: splice acceptor variant.
Genome position (GRCh38, 1-based): chr1:161,306,923, T>C on the plus strand (A>G on the coding strand, the complement: MPZ is on the minus strand). VCF-style: chr1-161306923-T-C. GRCh37 (hg19) VCF-style: chr1-161276713-T-C.
Other names: c.235-2A>G (NM_001315491.2).
Identifiers: ClinVar variation 2006911 (VCV002006911.4), dbSNP rs1415733769, ClinGen allele CA343350125.

ClinVar aggregate classification (germline): Likely pathogenic (1 of 4 stars; one submission).

Conditions:
Charcot-Marie-Tooth disease, type I (CMT1). Also called: Charcot-Marie-Tooth, Type 1; Charcot-Marie-Tooth disease type 1. Identifiers: Orphanet 65753, MedGen C0751036, MONDO:0019011.

Allele frequency attached by ClinVar (database versions not stated): gnomAD 0.00001; gnomAD exomes below 0.00001.
gnomAD v4.1: 2 of 1,606,180 alleles (0.00012%); highest among the groups gnomAD compares: African/African-American, 0.0014%; no homozygotes.

Submission:

Labcorp Genetics (formerly Invitae), Labcorp
Classification: Likely pathogenic for Charcot-Marie-Tooth disease, type I. Last evaluated: 2025-08-24. Review status: criteria provided, single submitter. Criteria: Invitae Variant Classification Sherloc (09022015). Collection method: clinical testing. Allele origin: germline.
Comment: This sequence change affects an acceptor splice site in intron 2 of the MPZ gene. It is expected to disrupt RNA splicing. Variants that disrupt the donor or acceptor splice site typically lead to a loss of protein function (PMID: 16199547), and loss-of-function variants in MPZ are known to be pathogenic (PMID: 14711881). This variant is present in population databases (no rsID available, gnomAD 0.01%). Disruption of this splice site has been observed in individual(s) with Charcot-Marie-Tooth disease (PMID: 25614874). ClinVar contains an entry for this variant (Variation ID: 2006911). Algorithms developed to predict the effect of sequence changes on RNA splicing suggest that this variant may disrupt the consensus splice site. In summary, the currently available evidence indicates that the variant is pathogenic, but additional data are needed to prove that conclusively. Therefore, this variant has been classified as Likely Pathogenic.

Literature cited by the submitters: PubMed 16199547; PubMed 14711881; PubMed 25614874.